The following is an entry in ClinVar:

NM_001940.4(ATN1):c.1464GCA[10] (p.Gln498_Gln502del)

Genes: ATN1 (atrophin 1; plus strand), LOC109461484 (atrophin 1 repeat instability region; plus strand). Cytogenetic location: 12p13.31.
Variant type: Microsatellite.
Coding change: c.1464GCA[10] on transcript NM_001940.4 (MANE Select); ten copies in a row of the 3-base unit GCA starting at c.1464; the reference has 15 copies in a row; five copies, 15 bases deleted.
Protein change: p.Gln498_Gln502del.
Molecular consequence: inframe deletion.
Genome position (GRCh38, 1-based): chr12:6,936,761-6,936,775, GCAGCAGCAGCAGCA deleted; deleting any 15 consecutive bases within chr12:6,936,729-6,936,775 gives the same sequence; the position shown is the placement nearest the transcript's 3' end. VCF-style (leftmost placement, unchanged base first): chr12-6936728-ACAGCAGCAGCAGCAG-A. GRCh37 (hg19) VCF-style: chr12-7045891-ACAGCAGCAGCAGCAG-A.
Other names: p.Gln498_Gln502del; c.1494_1508del (NM_001007026.2); c.1464GCA[10], p.Gln498_Gln502del (NM_001007026.2).
Identifiers: ClinVar variation 1050478 (VCV001050478.7), dbSNP rs60216939, ClinGen allele CA232427934.

ClinVar aggregate classification (germline): Conflicting classifications of pathogenicity. Review status: criteria provided, conflicting classifications (1 of 4 stars). 5 submissions from 5 submitters: Uncertain significance (1); Benign (2); Likely benign (1). 1 of the submissions does not count toward it. Last evaluated 2025-02-16.

Submissions (5):

Laboratory of Genetics, Children's Clinical University Hospital Latvia
Classification: Benign. Last evaluated: 2025-02-16. Review status: criteria provided, single submitter. Criteria: ACMG Guidelines, 2015. Collection method: clinical testing. Allele origin: germline. Affected: yes.

Blueprint Genetics
Classification: Likely benign. Last evaluated: 2024-11-27. Review status: criteria provided, single submitter. Criteria: ACMG Guidelines, 2015. Collection method: clinical testing. Allele origin: germline.

Mayo Clinic Laboratories, Mayo Clinic
Classification: Benign. Last evaluated: 2022-08-11. Review status: criteria provided, single submitter. Criteria: ACMG Guidelines, 2015. Collection method: clinical testing. Allele origin: germline. Observed: 46 variant alleles.

Institute for Clinical Genetics, University Hospital TU Dresden, University Hospital TU Dresden
Classification: Uncertain significance. Last evaluated: 2021-11-03. Review status: criteria provided, single submitter. Criteria: ACMG Guidelines, 2015. Collection method: clinical testing. Allele origin: germline.

Department of Pathology and Laboratory Medicine, Sinai Health System
Classification: Likely benign. Review status: no assertion criteria provided. Collection method: clinical testing. Allele origin: unknown. Affected: yes. Study: The Canadian Open Genetics Repository (COGR). Not counted in ClinVar's aggregate classification.
Comment: The ATN1 p.Gln498_Gln502del variant was not identified in the literature nor was it identified in the MutDB or LOVD 3.0 databases. The variant was identified in dbSNP (ID: rs377147612), ClinVar and Cosmic. The variant was identified in control databases in 41 of 259998 chromosomes at a frequency of 0.000158 increasing the likelihood this could be a low frequency benign variant (Genome Aggregation Database Feb 27, 2017). The variant was observed in the following populations: African in 19 of 20928 chromosomes (freq: 0.000908), Other in 2 of 6794 chromosomes (freq: 0.000294), Latino in 9 of 31612 chromosomes (freq: 0.000285), East Asian in 3 of 16812 chromosomes (freq: 0.000178) and European (non-Finnish) in 8 of 122724 chromosomes (freq: 0.000065), while the variant was not observed in the Ashkenazi Jewish, European (Finnish) and South Asian populations. This variant is an in-frame deletion resulting in the removal of 5 glutamine (gln) residues at codon 498, within a glutamine repeat region. The insertion of (CAG)n or glutamine repeats has been found to cause dentatorubro-pallidoluysian atrophy, however this variant is a (CAG)n repeat deletion within the normal range of 6-35 repeats (Koide_1994_PMID: 8136840; MIM: 607462). The impact of this alteration on ATN1 protein function is not known, however MutationTaster predicts this variant to be a polymorphism. In summary, based on the above information the clinical significance of this variant cannot be determined with certainty at this time although we would lean towards a more benign role for this variant. This variant is classified as likely benign.